The following is an entry in ClinVar:

NM_001258392.3(CLPB):c.514A>G (p.Met172Val)

Gene: CLPB (ClpB family mitochondrial disaggregase; minus strand). Cytogenetic location: 11q13.4.
Variant type: single nucleotide variant.
Coding change: c.514A>G on transcript NM_001258392.3 (MANE Select); coding-DNA position 514, A replaced by G.
Protein change: p.Met172Val; replaces methionine 172 with valine.
Molecular consequence: missense variant. On other transcripts: intron variant (1).
Genome position (GRCh38, 1-based): chr11:72,402,994, T>C on the plus strand (A>G on the coding strand, the complement: CLPB is on the minus strand). VCF-style: chr11-72402994-T-C. GRCh37 (hg19) VCF-style: chr11-72114038-T-C.
Other names: c.379A>G, p.Met127Val (NM_001258394.3); c.514A>G, p.Met172Val (NM_030813.6); c.456-22610A>G (NM_001258393.3); short protein forms M127V, M172V.
Identifiers: ClinVar variation 3614208 (VCV003614208.2).

ClinVar aggregate classification (germline): Uncertain significance (1 of 4 stars; one submission).

Conditions:
3-methylglutaconic aciduria, type VIIB (MGCA7B). Also called: 3-methylglutaconic aciduria, type VII, with cataracts, neurologic involvement and neutropenia; CLPB Deficiency; 3-methylglutaconic aciduria with cataracts, neurologic involvement and neutropenia. Identifiers: Orphanet 445038, MedGen C5676893, MONDO:0014561, OMIM 616271.

Submission:

Labcorp Genetics (formerly Invitae), Labcorp
Classification: Uncertain significance for 3-methylglutaconic aciduria, type VIIB. Last evaluated: 2024-11-30. Review status: criteria provided, single submitter. Criteria: Invitae Variant Classification Sherloc (09022015). Collection method: clinical testing. Allele origin: germline.
Comment: This sequence change replaces methionine, which is neutral and non-polar, with valine, which is neutral and non-polar, at codon 172 of the CLPB protein (p.Met172Val). This variant is not present in population databases (gnomAD no frequency). This variant has not been reported in the literature in individuals affected with CLPB-related conditions. An algorithm developed to predict the effect of missense changes on protein structure and function (PolyPhen-2) suggests that this variant is likely to be disruptive. In summary, the available evidence is currently insufficient to determine the role of this variant in disease. Therefore, it has been classified as a Variant of Uncertain Significance.